The following is an entry in ClinVar:

ClinVar aggregate classification (germline): Likely benign (0 of 4 stars; one submission).

Conditions:
ADAM17-related disorder. Also called: ADAM17-related condition.

Allele frequency attached by ClinVar (database versions not stated): gnomAD exomes 0.00002.
gnomAD v4.1: 26 of 1,613,272 alleles (0.0016%); highest among the groups gnomAD compares: Non-Finnish European, 0.002%; no homozygotes.

Submission:

PreventionGenetics, part of Exact Sciences
Classification: Likely benign for ADAM17-related condition. Last evaluated: 2019-04-25. Review status: no assertion criteria provided. Collection method: clinical testing. Allele origin: germline.
Comment: This variant is classified as likely benign based on ACMG/AMP sequence variant interpretation guidelines (Richards et al. 2015 PMID: 25741868, with internal and published modifications).

NM_003183.6(ADAM17):c.1992T>C (p.Phe664=)

Genes: ADAM17 (ADAM metallopeptidase domain 17; minus strand), IAH1 (isoamyl acetate hydrolyzing esterase 1 (putative); plus strand). Cytogenetic location: 2p25.1.
Variant type: single nucleotide variant.
Coding change: c.1992T>C on transcript NM_003183.6 (MANE Select); coding-DNA position 1992, T replaced by C.
Protein change: p.Phe664=; no amino-acid change (phenylalanine 664 retained).
Molecular consequence: synonymous variant.
Genome position (GRCh38, 1-based): chr2:9,493,748, A>G on the plus strand (T>C on the coding strand, the complement: ADAM17 is on the minus strand). VCF-style: chr2-9493748-A-G. GRCh37 (hg19) VCF-style: chr2-9633877-A-G.
Other names: c.1332T>C, p.Phe444= (NM_001382777.1); c.1095T>C, p.Phe365= (NM_001382778.1).
Identifiers: ClinVar variation 3057915 (VCV003057915.2), dbSNP rs1185937477, ClinGen allele CA424783458.